The following is an entry in ClinVar:

ClinVar aggregate classification (germline): Uncertain significance (1 of 4 stars; one submission).

Conditions:
Inborn genetic diseases. Identifiers: MedGen C0950123, MeSH D030342.

Submission:

Ambry Genetics
Classification: Uncertain significance for Inborn genetic diseases. Last evaluated: 2026-06-16. Review status: criteria provided, single submitter. Criteria: Ambry Variant Classification Scheme 2023. Collection method: clinical testing. Allele origin: germline.
Comment: The p.G3E variant (also known as c.8G>A), located in coding exon 1 of the SH2B3 gene, results from a G to A substitution at nucleotide position 8. The glycine at codon 3 is replaced by glutamic acid, an amino acid with similar properties. This amino acid position is conserved. In addition, this alteration is predicted to be tolerated by in silico analysis. Based on the available evidence, the clinical significance of this variant remains unclear.

NM_005475.3(SH2B3):c.8G>A (p.Gly3Glu)

Gene: SH2B3 (SH2B adaptor protein 3; plus strand). Cytogenetic location: 12q24.12.
Variant type: single nucleotide variant.
Coding change: c.8G>A on transcript NM_005475.3 (MANE Select); coding-DNA position 8, G replaced by A.
Protein change: p.Gly3Glu; replaces glycine 3 with glutamic acid.
Molecular consequence: missense variant.
Genome position (GRCh38, 1-based): chr12:111,418,153, G>A. VCF-style: chr12-111418153-G-A. GRCh37 (hg19) VCF-style: chr12-111855957-G-A.
Other names: short protein forms G3E.
Identifiers: ClinVar variation 5029448 (VCV005029448.1).
Genomic context (GRCh38, chr12:111,418,153, plus strand): 5'-CGCCCCCCCACCCACGTGTCTTTCAGCCCGGCCGCACCACCTGGGTCTCCGCCATGAACG[G>A]GCCTGCCCTGCAGCCCTCCTCGCCCTCTTCCGCGCCCTCAGCCTCCCCGGCGGCGGCCCC-3'
Protein context (NP_005466.1, residues 1-13): MN[Gly3Glu]PALQPSSPSS